The following is an entry in ClinVar:

NM_000533.5(PLP1):c.106G>A (p.Gly36Arg)

Genes: PLP1 (proteolipid protein 1; plus strand), RAB9B (RAB9B, member RAS oncogene family; minus strand). Cytogenetic location: Xq22.2.
Variant type: single nucleotide variant.
Coding change: c.106G>A on transcript NM_000533.5 (MANE Select); coding-DNA position 106, G replaced by A.
Protein change: p.Gly36Arg; replaces glycine 36 with arginine.
Molecular consequence: missense variant. On other transcripts: intron variant (1).
Genome position (GRCh38, 1-based): chrX:103,785,683, G>A. VCF-style: chrX-103785683-G-A. GRCh37 (hg19) VCF-style: chrX-103040612-G-A.
Other names: c.106G>A, p.Gly36Arg (NM_001128834.3, NM_199478.3); c.5-64G>A (NM_001305004.1); short protein forms G36R.
Identifiers: ClinVar variation 3368619 (VCV003368619.1).

ClinVar aggregate classification (germline): Uncertain significance (1 of 4 stars; one submission).

Submission:

GeneDx
Classification: Uncertain significance. Last evaluated: 2024-01-30. Review status: criteria provided, single submitter. Criteria: GeneDx Variant Classification Process June 2021. Collection method: clinical testing. Allele origin: germline. Affected: yes.
Comment: Not observed at significant frequency in large population cohorts (gnomAD); Missense variants in this gene are a common cause of disease and they are underrepresented in the general population; In silico analysis supports that this missense variant has a deleterious effect on protein structure/function; Has not been previously published as pathogenic or benign to our knowledge